The following is an entry in ClinVar:

ClinVar aggregate classification (germline): Conflicting classifications of pathogenicity. Review status: criteria provided, conflicting classifications (1 of 4 stars). 8 submissions from 8 submitters: Likely pathogenic (6); Uncertain significance (2). Last evaluated 2026-06-28.

Conditions:
Classic homocystinuria. Also called: Homocystinuria due to CBS deficiency; Cystathionine beta-synthase deficiency; CBS deficiency; HOMOCYSTINURIA WITH OR WITHOUT RESPONSE TO PYRIDOXINE; Homocystinuria due to Cystathionine Beta-Synthase Deficiency. Identifiers: Orphanet 394, MedGen C0751202, MONDO:0009352, OMIM 236200.
HYPERHOMOCYSTEINEMIA, THROMBOTIC, CBS-RELATED. Identifiers: MedGen C3150344, OMIM 236200.
CBS-related disorder. Also called: CBS-related condition.
Familial thoracic aortic aneurysm and aortic dissection (TAAD). Also called: Thoracic aortic aneurysms and dissections. Identifiers: Orphanet 91387, MedGen C4707243, MONDO:0019625.
Homocystinuria. Identifiers: MedGen C0019880, MONDO:0004737, HP:0002156.

Allele frequency attached by ClinVar (database versions not stated): gnomAD exomes 0.00001; ExAC 0.00002.

Submissions (8):

Myriad Genetics, Inc.
Classification: Uncertain significance for Classic homocystinuria. Last evaluated: 2026-06-28. Review status: criteria provided, single submitter. Criteria: Myriad Autosomal Dominant, Autosomal Recessive and X-Linked Classification Criteria (2023). Collection method: clinical testing. Allele origin: unknown.
Comment: NM_000071.2(CBS):c.1081G>A(A361T) is a missense variant classified as a variant of uncertain significance in the context of homocystinuria, CBS-related. A361T has been observed in cases with relevant disease (PMID: 11553052, 40251579). Relevant functional assessments of this variant are not available in the literature. A361T has been observed in referenced population frequency databases. In summary, there is insufficient evidence to classify NM_000071.2(CBS):c.1081G>A(A361T) as pathogenic or benign. Please note: this variant was assessed in the context of healthy population screening.

Labcorp Genetics (formerly Invitae), Labcorp
Classification: Likely pathogenic for HYPERHOMOCYSTEINEMIA, THROMBOTIC, CBS-RELATED. Last evaluated: 2025-08-15. Review status: criteria provided, single submitter. Criteria: Invitae Variant Classification Sherloc (09022015). Collection method: clinical testing. Allele origin: germline.
Comment: This sequence change replaces alanine, which is neutral and non-polar, with threonine, which is neutral and polar, at codon 361 of the CBS protein (p.Ala361Thr). This variant is present in population databases (rs745764562, gnomAD 0.004%). This missense change has been observed in individual(s) with clinical features of homocystinuria due to CBS deficiency (PMID: 11553052). ClinVar contains an entry for this variant (Variation ID: 1684071). Invitae Evidence Modeling of protein sequence and biophysical properties (such as structural, functional, and spatial information, amino acid conservation, physicochemical variation, residue mobility, and thermodynamic stability) indicates that this missense variant is expected to disrupt CBS protein function with a positive predictive value of 95%. Experimental studies have shown that this missense change affects CBS function (PMID: 22267502). In summary, the currently available evidence indicates that the variant is pathogenic, but additional data are needed to prove that conclusively. Therefore, this variant has been classified as Likely Pathogenic.

Servicio de Genética Del Instituto Nacional de Salud Del Niño, Ministerio de Salud
Classification: Likely pathogenic for Classic homocystinuria. Last evaluated: 2024-11-18. Review status: criteria provided, single submitter. Criteria: ACMG Guidelines, 2015. Collection method: clinical testing. Allele origin: germline. Inheritance: Autosomal recessive inheritance. Affected: yes.
Comment: These variants may affect enzyme function, potentially leading to altered homocysteine metabolism. Based on ACMG/AMP guidelines, these variants should be evaluated for criteria such as PM3 (for compound heterozygosity), PP3 (in silico predictions), and any functional studies supporting pathogenicity. Further clinical correlation and segregation analysis are recommended to clarify their significance.

Women's Health and Genetics/Laboratory Corporation of America, LabCorp
Classification: Likely pathogenic for Homocystinuria. Last evaluated: 2024-09-09. Review status: criteria provided, single submitter. Criteria: LabCorp Variant Classification Summary - May 2015. Collection method: clinical testing. Allele origin: germline.
Comment: Variant summary: CBS c.1081G>A (p.Ala361Thr) results in a non-conservative amino acid change located in the Tryptophan synthase beta chain-like, PALP domain (IPR001926) of the encoded protein sequence. Four of five in-silico tools predict a damaging effect of the variant on protein function. The variant allele was found at a frequency of 1.2e-05 in 242176 control chromosomes. c.1081G>A has been reported in the literature in an individual affected with Homocystinuria (Castro_2001). These data indicate that the variant may be associated with disease. At least one publication reports experimental evidence evaluating an impact on protein function in the yeast ortholog, showing a severe loss of function (Mayfield_2012). The following publications have been ascertained in the context of this evaluation (PMID: 11553052, 22267502). ClinVar contains an entry for this variant (Variation ID: 1684071). Based on the evidence outlined above, the variant was classified as likely pathogenic.

Baylor Genetics
Classification: Likely pathogenic for Classic homocystinuria. Last evaluated: 2024-03-18. Review status: criteria provided, single submitter. Criteria: ACMG Guidelines, 2015. Collection method: clinical testing. Allele origin: unknown.

Blueprint Genetics
Classification: Likely pathogenic for CBS-related disorders. Last evaluated: 2022-09-13. Review status: criteria provided, single submitter. Criteria: ACMG Guidelines, 2015. Collection method: clinical testing. Allele origin: germline. Affected: yes. Observed: 2 variant alleles.

GeneDx
Classification: Likely pathogenic. Last evaluated: 2022-04-22. Review status: criteria provided, single submitter. Criteria: GeneDx Variant Classification Process June 2021. Collection method: clinical testing. Allele origin: germline. Affected: yes.
Comment: Published functional studies demonstrate that p.(A361T) results in a severe loss of CBS function (Mayfield et al., 2012); Not observed at significant frequency in large population cohorts (gnomAD); In silico analysis supports that this missense variant has a deleterious effect on protein structure/function; This variant is associated with the following publications: (PMID: 31301157, 11553052, 22267502)

Ambry Genetics
Classification: Uncertain significance for Familial thoracic aortic aneurysm and aortic dissection. Last evaluated: 2021-02-25. Review status: criteria provided, single submitter. Criteria: Ambry Variant Classification Scheme 2023. Collection method: clinical testing. Allele origin: germline.
Comment: The p.A361T variant (also known as c.1081G>A), located in coding exon 10 of the CBS gene, results from a G to A substitution at nucleotide position 1081. The alanine at codon 361 is replaced by threonine, an amino acid with similar properties. This variant has been reported in a homozygous homocystinuria case with vascular findings (Castro R et al. Clin Genet, 2001 Aug;60:161-3). Functional studies in yeast described this variant as nonfunctional (Mayfield JA et al. Genetics, 2012 Apr;190:1309-23). This amino acid position is highly conserved in available vertebrate species. In addition, this alteration is predicted to be deleterious by in silico analysis. Since supporting evidence is limited at this time, the clinical significance of this alteration remains unclear.

Literature cited by the submitters: PubMed 11553052 (cited by 4 submitters); PubMed 40251579 (cited by Myriad Genetics, Inc.); PubMed 22267502 (cited by 3 submitters); PubMed 12686134 (cited by Ambry Genetics).

NM_000071.3(CBS):c.1081G>A (p.Ala361Thr)

Gene: CBS (cystathionine beta-synthase; minus strand). Cytogenetic location: 21q22.3.
Variant type: single nucleotide variant.
Coding change: c.1081G>A on transcript NM_000071.3 (MANE Select); coding-DNA position 1081, G replaced by A.
Protein change: p.Ala361Thr; replaces alanine 361 with threonine.
Molecular consequence: missense variant.
Genome position (GRCh38, 1-based): chr21:43,060,505, C>T on the plus strand (G>A on the coding strand, the complement: CBS is on the minus strand). VCF-style: chr21-43060505-C-T. GRCh37 (hg19) VCF-style: chr21-44480615-C-T.
Other names: c.1081G>A, p.Ala361Thr (NM_001178008.3, NM_001178009.3, NM_001320298.2); c.766G>A, p.Ala256Thr (NM_001321072.1); short protein forms A256T, A361T.
Identifiers: ClinVar variation 1684071 (VCV001684071.12), dbSNP rs745764562, ClinGen allele CA321689765.